The following is an entry in ClinVar:

NM_001011.4(RPS7):c.455G>C (p.Arg152Pro)

Gene: RPS7 (ribosomal protein S7; plus strand). Cytogenetic location: 2p25.3.
Variant type: single nucleotide variant.
Coding change: c.455G>C on transcript NM_001011.4 (MANE Select); coding-DNA position 455, G replaced by C.
Protein change: p.Arg152Pro; replaces arginine 152 with proline.
Molecular consequence: missense variant.
Genome position (GRCh38, 1-based): chr2:3,580,208, G>C. VCF-style: chr2-3580208-G-C. GRCh37 (hg19) VCF-style: chr2-3627798-G-C.
Other names: c.455G>C (NM_001011.3); short protein forms R152P.
Identifiers: ClinVar variation 1492775 (VCV001492775.10), dbSNP rs1241543942, ClinGen allele CA345743542.

ClinVar aggregate classification (germline): Uncertain significance. Review status: criteria provided, multiple submitters, no conflicts (2 of 4 stars). 3 submissions from 3 submitters: Uncertain significance (3). Last evaluated 2024-12-03.

Conditions:
RPS7-related disorder. Also called: RPS7-related condition.
Diamond-Blackfan anemia 8 (DBA8). Also called: RPS7-Related Diamond-Blackfan Anemia. Identifiers: Orphanet 124, MedGen C2675511, MONDO:0012939, OMIM 612563.

gnomAD v4.1: 17 of 1,613,452 alleles (0.0011%); highest among the groups gnomAD compares: Non-Finnish European, 0.0014%; no homozygotes.

Submissions (3):

Revvity Omics, Revvity
Classification: Uncertain significance for Diamond-Blackfan anemia 8. Last evaluated: 2024-12-03. Review status: criteria provided, single submitter. Criteria: ACMG Guidelines, 2015. Collection method: clinical testing. Allele origin: germline.

PreventionGenetics, part of Exact Sciences
Classification: Uncertain significance for RPS7-related condition. Last evaluated: 2023-01-19. Review status: criteria provided, single submitter. Criteria: ACMG Guidelines, 2015. Collection method: clinical testing. Allele origin: germline.
Comment: The RPS7 c.455G>C variant is predicted to result in the amino acid substitution p.Arg152Pro. To our knowledge, this variant has not been reported in the literature or in a large population database, indicating this variant is rare. At this time, the clinical significance of this variant is uncertain due to the absence of conclusive functional and genetic evidence.

Labcorp Genetics (formerly Invitae), Labcorp
Classification: Uncertain significance for Diamond-Blackfan anemia 8. Last evaluated: 2022-11-23. Review status: criteria provided, single submitter. Criteria: Invitae Variant Classification Sherloc (09022015). Collection method: clinical testing. Allele origin: germline.
Comment: In summary, the available evidence is currently insufficient to determine the role of this variant in disease. Therefore, it has been classified as a Variant of Uncertain Significance. Algorithms developed to predict the effect of missense changes on protein structure and function are either unavailable or do not agree on the potential impact of this missense change (SIFT: "Deleterious"; PolyPhen-2: "Benign"; Align-GVGD: "Class C0"). ClinVar contains an entry for this variant (Variation ID: 1492775). This variant has not been reported in the literature in individuals affected with RPS7-related conditions. This variant is not present in population databases (gnomAD no frequency). This sequence change replaces arginine, which is basic and polar, with proline, which is neutral and non-polar, at codon 152 of the RPS7 protein (p.Arg152Pro).